The following is an entry in ClinVar:

ClinVar aggregate classification (germline): Pathogenic (1 of 4 stars; one submission).

Conditions:
Colobomatous microphthalmia-rhizomelic dysplasia syndrome (MCSKS). Also called: Microphthalmia/coloboma and skeletal dysplasia syndrome. Identifiers: Orphanet 424099, MedGen C4014540, MONDO:0014380, OMIM 615877.

Allele frequency attached by ClinVar (database versions not stated): gnomAD exomes below 0.00001.
gnomAD v4.1: 1 of 1,612,608 alleles (0.000062%); highest among the groups gnomAD compares: Non-Finnish European, 0.000085%; no homozygotes.

Submission:

Laboratory of Medical Genetics, National & Kapodistrian University of Athens
Classification: Pathogenic for Colobomatous microphthalmia-rhizomelic dysplasia syndrome. Last evaluated: 2021-08-10. Review status: criteria provided, single submitter. Criteria: ACMG Guidelines, 2015. Collection method: clinical testing. Allele origin: unknown. Affected: yes.
Comment: PVS1, PM2, PP3

Literature cited by the submitters: PubMed 34008892.

NM_006439.5(MAB21L2):c.881C>A (p.Ser294Ter)

Genes: MAB21L2 (mab-21 like 2; plus strand), LRBA (LPS responsive beige-like anchor protein; minus strand). Cytogenetic location: 4q31.3.
Variant type: single nucleotide variant.
Coding change: c.881C>A on transcript NM_006439.5 (MANE Select); coding-DNA position 881, C replaced by A.
Protein change: p.Ser294Ter; replaces serine 294 with a stop codon.
Molecular consequence: nonsense. On other transcripts: intron variant (6).
Genome position (GRCh38, 1-based): chr4:150,583,910, C>A. VCF-style: chr4-150583910-C-A. GRCh37 (hg19) VCF-style: chr4-151505062-C-A.
Other names: c.6330+4138G>T (NM_001367550.1, NM_001199282.3, NM_001364905.1 and 1 more transcripts); c.6363+4138G>T (NM_006726.5, NM_001440430.1); short protein forms S294*.
Identifiers: ClinVar variation 1299534 (VCV001299534.1), dbSNP rs2126402910, ClinGen allele CA358604023.